The following is an entry in ClinVar:

NM_006531.5(IFT88):c.420del (p.Gln140fs)

Gene: IFT88 (intraflagellar transport 88; plus strand). Cytogenetic location: 13q12.11.
Variant type: Deletion.
Coding change: c.420del on transcript NM_006531.5 (MANE Select); coding-DNA position 420, one base deleted (A; older notation c.420delA).
Protein change: p.Gln140fs; shifts the reading frame from glutamine 140.
Molecular consequence: frameshift variant. On other transcripts: 5 prime UTR variant (1), non-coding transcript variant (5).
Genome position (GRCh38, 1-based): chr13:20,596,171, A deleted; the last of 2 consecutive A bases (chr13:20,596,170-20,596,171); deleting either gives the same sequence. VCF-style (leftmost placement, unchanged base first): chr13-20596169-CA-C. GRCh37 (hg19) VCF-style: chr13-21170308-CA-C.
Other names: c.363del, p.Gln121fs (NM_001318491.2, NM_001353573.2, NM_001353574.2 and 1 more transcripts); c.447del, p.Gln149fs (NM_001318493.2, NM_001353565.2, NM_001353566.2 and 6 more transcripts); c.420del, p.Gln140fs (NM_001353568.2, NM_001353571.2, NM_001353572.2 and 1 more transcripts); c.-214del (NM_001353579.2); short protein forms Q140fs, Q149fs, Q121fs.
Identifiers: ClinVar variation 3679025 (VCV003679025.2).

ClinVar aggregate classification (germline): Uncertain significance (1 of 4 stars; one submission).

Submission:

Labcorp Genetics (formerly Invitae), Labcorp
Classification: Uncertain significance. Last evaluated: 2024-02-03. Review status: criteria provided, single submitter. Criteria: Invitae Variant Classification Sherloc (09022015). Collection method: clinical testing. Allele origin: germline.
Comment: This sequence change creates a premature translational stop signal (p.Gln149Hisfs*2) in the IFT88 gene. It is expected to result in an absent or disrupted protein product. However, the current clinical and genetic evidence is not sufficient to establish whether loss-of-function variants in IFT88 cause disease. This variant is not present in population databases (gnomAD no frequency). This variant has not been reported in the literature in individuals affected with IFT88-related conditions. In summary, the available evidence is currently insufficient to determine the role of this variant in disease. Therefore, it has been classified as a Variant of Uncertain Significance.